The following is an entry in ClinVar:

ClinVar aggregate classification (germline): Uncertain significance. Review status: criteria provided, multiple submitters, no conflicts (2 of 4 stars). 2 submissions from 2 submitters: Uncertain significance (2). Last evaluated 2025-06-18.

Conditions:
PCDH12-related disorder. Also called: PCDH12-related condition.

gnomAD v4.1: 7 of 1,612,968 alleles (0.00043%); highest among the groups gnomAD compares: Admixed American, 0.012%; no homozygotes.

Submissions (2):

Mayo Clinic Laboratories, Mayo Clinic
Classification: Uncertain significance. Last evaluated: 2025-06-18. Review status: criteria provided, single submitter. Criteria: ACMG Guidelines, 2015. Collection method: clinical testing. Allele origin: germline. Observed: 1 variant allele.
Comment: BP4_moderate

PreventionGenetics, part of Exact Sciences
Classification: Uncertain significance for PCDH12-related condition. Last evaluated: 2025-05-05. Review status: criteria provided, single submitter. Criteria: ACMG Guidelines, 2015. Collection method: clinical testing. Allele origin: germline.
Comment: The PCDH12 c.382A>G variant is predicted to result in the amino acid substitution p.Ile128Val. To our knowledge, this variant has not been reported in the literature. This variant is reported in 0.015% of alleles in individuals of Latino descent in gnomAD. At this time, the clinical significance of this variant is uncertain due to the absence of conclusive functional and genetic evidence.

NM_016580.4(PCDH12):c.382A>G (p.Ile128Val)

Genes: PCDH12 (protocadherin 12; minus strand), RNF14 (ring finger protein 14; plus strand). Cytogenetic location: 5q31.3.
Variant type: single nucleotide variant.
Coding change: c.382A>G on transcript NM_016580.4 (MANE Select); coding-DNA position 382, A replaced by G.
Protein change: p.Ile128Val; replaces isoleucine 128 with valine.
Molecular consequence: missense variant.
Genome position (GRCh38, 1-based): chr5:141,957,470, T>C on the plus strand (A>G on the coding strand, the complement: PCDH12 is on the minus strand). VCF-style: chr5-141957470-T-C. GRCh37 (hg19) VCF-style: chr5-141337035-T-C.
Other names: p.Ile128Val; short protein forms I128V.
Identifiers: ClinVar variation 4541072 (VCV004541072.2).